The following is an entry in ClinVar:

ClinVar aggregate classification (germline): Uncertain significance (1 of 4 stars; one submission).

Submission:

Labcorp Genetics (formerly Invitae), Labcorp
Classification: Uncertain significance. Last evaluated: 2021-06-12. Review status: criteria provided, single submitter. Criteria: Invitae Variant Classification Sherloc (09022015). Collection method: clinical testing. Allele origin: germline.
Comment: In summary, the available evidence is currently insufficient to determine the role of this variant in disease. Therefore, it has been classified as a Variant of Uncertain Significance. Experimental studies and prediction algorithms are not available or were not evaluated, and the functional significance of this variant is currently unknown. This variant has not been reported in the literature in individuals with GTF2E2-related conditions. This variant is a gross deletion of the genomic region encompassing exon(s) 4-5 of the GTF2E2 gene. This variant would be expected to be in-frame, preserving the integrity of the reading frame.

NC_000008.10:g.(?_30469796)_(30472252_?)del

Gene: GTF2E2 (general transcription factor IIE subunit 2; minus strand). Cytogenetic location: 8p12.
Variant type: Deletion.
Identifiers: ClinVar variation 1399955 (VCV001399955.6).